The following is an entry in ClinVar:

ClinVar aggregate classification (germline): Uncertain significance (1 of 4 stars; one submission).

gnomAD v4.1: 1 of 1,614,104 alleles (0.000062%); highest among the groups gnomAD compares: Admixed American, 0.0017%; no homozygotes.

Submission:

Ambry Genetics
Classification: Uncertain significance. Last evaluated: 2022-12-23. Review status: criteria provided, single submitter. Criteria: Ambry Variant Classification Scheme 2023. Collection method: clinical testing. Allele origin: germline.
Comment: The p.R398P variant (also known as c.1193G>C), located in coding exon 6 of the GALNT12 gene, results from a G to C substitution at nucleotide position 1193. The arginine at codon 398 is replaced by proline, an amino acid with dissimilar properties. This amino acid position is conserved. In addition, this alteration is predicted to be deleterious by in silico analysis. Since supporting evidence is limited at this time, the clinical significance of this alteration remains unclear.

NM_024642.5(GALNT12):c.1193G>C (p.Arg398Pro)

Gene: GALNT12 (polypeptide N-acetylgalactosaminyltransferase 12; plus strand). Cytogenetic location: 9q22.33.
Variant type: single nucleotide variant.
Coding change: c.1193G>C on transcript NM_024642.5 (MANE Select); coding-DNA position 1193, G replaced by C.
Protein change: p.Arg398Pro; replaces arginine 398 with proline.
Molecular consequence: missense variant.
Genome position (GRCh38, 1-based): chr9:98,837,129, G>C. VCF-style: chr9-98837129-G-C. GRCh37 (hg19) VCF-style: chr9-101599411-G-C.
Other names: short protein forms R398P.
Identifiers: ClinVar variation 2451771 (VCV002451771.2), dbSNP rs769674764, ClinGen allele CA374220040.